The following is an entry in ClinVar:

ClinVar aggregate classification (germline): Pathogenic/Likely pathogenic. Review status: criteria provided, multiple submitters, no conflicts (2 of 4 stars). 3 submissions from 3 submitters: Pathogenic (1); Likely pathogenic (2). Last evaluated 2025-09-29.

Conditions:
Legg-Calve-Perthes disease. Also called: PERTHES DISEASE; Osteochondritis deformans; Coxa plana; Avascular necrosis of the capital femoral epiphysis. Identifiers: Orphanet 2380, MedGen C1442965, MONDO:0007885, OMIM 150600, HP:0005743.
Kniest dysplasia. Identifiers: Orphanet 485, MedGen C0265279, MONDO:0007987, OMIM 156550.
Spondyloepimetaphyseal dysplasia, Strudwick type (SEMDSTWK). Also called: DAPPLED METAPHYSIS SYNDROME; STRUDWICK SYNDROME. Identifiers: Orphanet 93346, MedGen C0700635, MONDO:0008476, OMIM 184250.
Spondyloperipheral dysplasia. Also called: SPONDYLOPERIPHERAL DYSPLASIA WITH SHORT ULNA; Spondyloperipheral dysplasia-short ulna syndrome. Identifiers: Orphanet 1856, MedGen C0796173, MONDO:0010078, OMIM 271700.
Achondrogenesis type II (ACG2). Also called: ACHONDROGENESIS, LANGER-SALDINO TYPE; CHONDROGENESIS IMPERFECTA. Identifiers: Orphanet 932, Orphanet 93296, MedGen C0220685, MONDO:0008702, OMIM 200610.
Platyspondylic dysplasia, Torrance type (PLSDT). Identifiers: Orphanet 85166, MedGen C1835437, MONDO:0007895, OMIM 151210.
Spondyloepiphyseal dysplasia congenita (SEDC). Also called: SED CONGENITA; SPONDYLOEPIPHYSEAL DYSPLASIA, CONGENITAL TYPE. Identifiers: Orphanet 94068, MedGen C2745959, MONDO:0008471, OMIM 183900.

Submissions (3):

Labcorp Genetics (formerly Invitae), Labcorp
Classification: Likely pathogenic. Last evaluated: 2025-09-29. Review status: criteria provided, single submitter. Criteria: Invitae Variant Classification Sherloc (09022015). Collection method: clinical testing. Allele origin: germline.
Comment: This sequence change replaces glycine, which is neutral and non-polar, with valine, which is neutral and non-polar, at codon 291 of the COL2A1 protein (p.Gly291Val). This variant is not present in population databases (gnomAD no frequency). This missense change has been observed in individual(s) with COL2A1-related conditions (PMID: 36307859). ClinVar contains an entry for this variant (Variation ID: 2742364). Experimental studies and prediction algorithms are not available or were not evaluated, and the functional significance of this variant is currently unknown. This variant disrupts the triple helix domain of COL2A1. Glycine residues within the Gly-Xaa-Yaa repeats of the triple helix domain are required for the structure and stability of fibrillar collagens (PMID: 7695699, 8218237, 19344236). In COL2A1, variants affecting these glycine residues are significantly enriched in individuals with disease (PMID: 9016532, 17078022) compared to the general population (ExAC). In summary, the currently available evidence indicates that the variant is pathogenic, but additional data are needed to prove that conclusively. Therefore, this variant has been classified as Likely Pathogenic.

GeneDx
Classification: Pathogenic. Last evaluated: 2024-08-21. Review status: criteria provided, single submitter. Criteria: GeneDx Variant Classification Process June 2021. Collection method: clinical testing. Allele origin: germline. Affected: yes.
Comment: Identified in an individual with a clinical diagnosis of Stickler syndrome in the published literature, however, detailed clinical information and molecular methodology was not provided (PMID: 33256801); In silico analysis supports that this missense variant has a deleterious effect on protein structure/function; Not observed at significant frequency in large population cohorts (gnomAD); Occurs in the triple helical domain and replaces a glycine in a canonical Gly-X-Y repeat; missense substitution of a canonical glycine residue is expected to disrupt normal protein folding and function, and this is an established mechanism of disease (PMID: 34007986); Also known as p.(G91V); This variant is associated with the following publications: (PMID: 33256801, 34007986, 36307859)

New York Genome Center
Classification: Likely pathogenic for Achondrogenesis type II; Kniest dysplasia; Legg-Calve-Perthes disease; Platyspondylic dysplasia, Torrance type; Spondyloepiphyseal dysplasia congenita; Spondyloepimetaphyseal dysplasia, Strudwick type; Spondyloperipheral dysplasia. Last evaluated: 2023-03-29. Review status: criteria provided, single submitter. Criteria: NYGC Assertion Criteria 2020. Collection method: clinical testing. Allele origin: inherited. Affected: yes. Observed: 1 variant allele, 1 heterozygote.
Comment: The inherited c.872G>T (NM_001844), p.(Gly291Val) variant identified in the COL2A1 gene substitutes a very well conserved Glycine for Valine at amino acid 291/1488 (exon 14/54) within one of the Collagen triple helix repeat domains of COL2A1. Variants affecting Glycine residues within Gly-X-Y repeats ofthe triple helical region of COL2A1 are commonly identified in individuals with COL2A1 associated disorders [PMID:35581182, 35052477, 26626311]. The c.872G>T,p.(Gly291Val) variant is absent from population databases (gnomADv2.1.1, gnomADv3.1.2, BRAVO-TOPMed, All of Us) suggesting it is not a common benign variant in the populations represented in those databases. This variant is absent from ClinVar, and it has been reported in one individual in the literature with a clinical diagnosis of Stickler’s syndrome with short stature, moderate myopia, and joint hypermobility [PMID:33256801]. Given the available evidence, the inherited c.872G>T (NM_001844), p.(Gly291Val) variant identified in the COL2A1 gene is reported as Likely Pathogenic.

Literature cited by the submitters: PubMed 36307859 (cited by Labcorp Genetics (formerly Invitae), Labcorp); PubMed 7695699 (cited by Labcorp Genetics (formerly Invitae), Labcorp); PubMed 8218237 (cited by Labcorp Genetics (formerly Invitae), Labcorp); PubMed 19344236 (cited by Labcorp Genetics (formerly Invitae), Labcorp); PubMed 9016532 (cited by Labcorp Genetics (formerly Invitae), Labcorp); PubMed 17078022 (cited by Labcorp Genetics (formerly Invitae), Labcorp).

NM_001844.5(COL2A1):c.872G>T (p.Gly291Val)

Gene: COL2A1 (collagen type II alpha 1 chain; minus strand). Cytogenetic location: 12q13.11.
Variant type: single nucleotide variant.
Coding change: c.872G>T on transcript NM_001844.5 (MANE Select); coding-DNA position 872, G replaced by T.
Protein change: p.Gly291Val; replaces glycine 291 with valine.
Molecular consequence: missense variant.
Genome position (GRCh38, 1-based): chr12:47,993,861, C>A on the plus strand (G>T on the coding strand, the complement: COL2A1 is on the minus strand). VCF-style: chr12-47993861-C-A. GRCh37 (hg19) VCF-style: chr12-48387644-C-A.
Other names: c.665G>T, p.Gly222Val (NM_033150.3); c.872G>T (NM_001844.4); short protein forms G222V, G291V.
Identifiers: ClinVar variation 2742364 (VCV002742364.4), dbSNP rs2540168609, ClinGen allele CA384522246.